The following is an entry in ClinVar:

ClinVar aggregate classification (germline): Uncertain significance (1 of 4 stars; one submission).

Conditions:
Hereditary cancer-predisposing syndrome. Also called: Neoplastic Syndromes, Hereditary; Tumor predisposition; Hereditary neoplastic syndrome; Hereditary Cancer Syndrome. Identifiers: Orphanet 140162, MedGen C0027672, MeSH D009386, MONDO:0015356.

Submission:

Ambry Genetics
Classification: Uncertain significance for Hereditary cancer-predisposing syndrome. Last evaluated: 2026-07-05. Review status: criteria provided, single submitter. Criteria: Ambry Variant Classification Scheme 2023. Collection method: clinical testing. Allele origin: germline.
Comment: The p.T1780N variant (also known as c.5339C>A), located in coding exon 41 of the TSC2 gene, results from a C to A substitution at nucleotide position 5339. The threonine at codon 1780 is replaced by asparagine, an amino acid with similar properties. This amino acid position is conserved. In addition, this alteration is predicted to be tolerated by in silico analysis. Based on the available evidence, the clinical significance of this variant remains unclear.

NM_000548.5(TSC2):c.5339C>A (p.Thr1780Asn)

Gene: TSC2 (TSC complex subunit 2; plus strand). Cytogenetic location: 16p13.3.
Variant type: single nucleotide variant.
Coding change: c.5339C>A on transcript NM_000548.5 (MANE Select); coding-DNA position 5339, C replaced by A.
Protein change: p.Thr1780Asn; replaces threonine 1780 with asparagine.
Molecular consequence: missense variant. On other transcripts: non-coding transcript variant (5).
Genome position (GRCh38, 1-based): chr16:2,088,525, C>A. VCF-style: chr16-2088525-C-A. GRCh37 (hg19) VCF-style: chr16-2138526-C-A.
Other names: c.5138C>A, p.Thr1713Asn (NM_001077183.3); c.5270C>A, p.Thr1757Asn (NM_001114382.3); c.5030C>A, p.Thr1677Asn (NM_001318827.2); c.4994C>A, p.Thr1665Asn (NM_001318829.2); c.4607C>A, p.Thr1536Asn (NM_001318831.2); c.5171C>A, p.Thr1724Asn (NM_001318832.2); c.5141C>A, p.Thr1714Asn (NM_001363528.2); c.5207C>A, p.Thr1736Asn (NM_001370404.1); and 27 more; short protein forms T1265N, T1513N, T1560N, T1694N, T1713N, T1266N, T1309N, T1536N.
Identifiers: ClinVar variation 5031319 (VCV005031319.1).